The following is an entry in ClinVar:

NC_000009.11:g.(?_311934)_(317148_?)del

Gene: DOCK8 (dedicator of cytokinesis 8; plus strand). Cytogenetic location: 9p24.3.
Variant type: Deletion.
Identifiers: ClinVar variation 2427705 (VCV002427705.8).

ClinVar aggregate classification (germline): Pathogenic (1 of 4 stars; one submission).

Conditions:
Hyper-IgE recurrent infection syndrome 3, autosomal recessive. Also called: Autosomal recessive hyper-IgE syndrome due to ZNF341 deficiency; HYPER-IgE SYNDROME 3, AUTOSOMAL RECESSIVE, WITH RECURRENT INFECTIONS. Identifiers: Orphanet 641368, MedGen C4748969, MONDO:0032654, OMIM 618282.

Submission:

Labcorp Genetics (formerly Invitae), Labcorp
Classification: Pathogenic for Combined immunodeficiency due to DOCK8 deficiency. Last evaluated: 2022-05-03. Review status: criteria provided, single submitter. Criteria: Invitae Variant Classification Sherloc (09022015). Collection method: clinical testing. Allele origin: germline.
Comment: This variant is a gross deletion of the genomic region encompassing exon(s) 6-7 of the DOCK8 gene. This deletion is out-of-frame, and is expected to create a premature termination codon and result in an absent or disrupted protein product. Loss-of-function variants in DOCK8 are known to be pathogenic (PMID: 14722525, 19776401). This variant has not been reported in the literature in individuals affected with DOCK8-related conditions. For these reasons, this variant has been classified as Pathogenic.

Literature cited by the submitters: PubMed 14722525; PubMed 19776401.